The following is an entry in ClinVar:

NM_030665.4(RAI1):c.4982G>T (p.Arg1661Leu)

Gene: RAI1 (retinoic acid induced 1; plus strand). Cytogenetic location: 17p11.2.
Variant type: single nucleotide variant.
Coding change: c.4982G>T on transcript NM_030665.4 (MANE Select); coding-DNA position 4982, G replaced by T.
Protein change: p.Arg1661Leu; replaces arginine 1661 with leucine.
Molecular consequence: missense variant.
Genome position (GRCh38, 1-based): chr17:17,797,930, G>T. VCF-style: chr17-17797930-G-T. GRCh37 (hg19) VCF-style: chr17-17701244-G-T.
Other names: short protein forms R1661L.
Identifiers: ClinVar variation 3682502 (VCV003682502.2).

ClinVar aggregate classification (germline): Uncertain significance (1 of 4 stars; one submission).

gnomAD v4.1: 5 of 1,613,858 alleles (0.00031%); highest among the groups gnomAD compares: Admixed American, 0.0017%; no homozygotes.

Submission:

Labcorp Genetics (formerly Invitae), Labcorp
Classification: Uncertain significance. Last evaluated: 2024-11-02. Review status: criteria provided, single submitter. Criteria: Invitae Variant Classification Sherloc (09022015). Collection method: clinical testing. Allele origin: germline.
Comment: This sequence change replaces arginine, which is basic and polar, with leucine, which is neutral and non-polar, at codon 1661 of the RAI1 protein (p.Arg1661Leu). This variant is not present in population databases (gnomAD no frequency). This variant has not been reported in the literature in individuals affected with RAI1-related conditions. Invitae Evidence Modeling of protein sequence and biophysical properties (such as structural, functional, and spatial information, amino acid conservation, physicochemical variation, residue mobility, and thermodynamic stability) has been performed for this missense variant. However, the output from this modeling did not meet the statistical confidence thresholds required to predict the impact of this variant on RAI1 protein function. In summary, the available evidence is currently insufficient to determine the role of this variant in disease. Therefore, it has been classified as a Variant of Uncertain Significance.